The following is an entry in ClinVar:

NM_000371.4(TTR):c.371G>C (p.Arg124Pro)

Gene: TTR (transthyretin; plus strand). Cytogenetic location: 18q12.1.
Variant type: single nucleotide variant.
Coding change: c.371G>C on transcript NM_000371.4 (MANE Select); coding-DNA position 371, G replaced by C.
Protein change: p.Arg124Pro; replaces arginine 124 with proline.
Molecular consequence: missense variant.
Genome position (GRCh38, 1-based): chr18:31,598,602, G>C. VCF-style: chr18-31598602-G-C. GRCh37 (hg19) VCF-style: chr18-29178565-G-C.
Other names: short protein forms R124P.
Identifiers: ClinVar variation 4193820 (VCV004193820.1).

ClinVar aggregate classification (germline): Uncertain significance (1 of 4 stars; one submission).

Conditions:
Cardiovascular phenotype. Identifiers: MedGen CN230736.

Submission:

Ambry Genetics
Classification: Uncertain significance for Cardiovascular phenotype. Last evaluated: 2025-06-27. Review status: criteria provided, single submitter. Criteria: Ambry Variant Classification Scheme 2023. Collection method: clinical testing. Allele origin: germline.
Comment: The p.R124P variant (also known as c.371G>C), located in coding exon 4 of the TTR gene, results from a G to C substitution at nucleotide position 371. The arginine at codon 124 is replaced by proline, an amino acid with dissimilar properties. This amino acid position is poorly conserved in available vertebrate species. In addition, the in silico prediction for this alteration is inconclusive. Based on the available evidence, the clinical significance of this variant remains unclear.